The following is an entry in ClinVar:

NM_000152.5(GAA):c.719T>C (p.Phe240Ser)

Gene: GAA (alpha glucosidase; plus strand). Cytogenetic location: 17q25.3.
Variant type: single nucleotide variant.
Coding change: c.719T>C on transcript NM_000152.5 (MANE Select); coding-DNA position 719, T replaced by C.
Protein change: p.Phe240Ser; replaces phenylalanine 240 with serine.
Molecular consequence: missense variant.
Genome position (GRCh38, 1-based): chr17:80,107,583, T>C. VCF-style: chr17-80107583-T-C. GRCh37 (hg19) VCF-style: chr17-78081382-T-C.
Other names: c.719T>C, p.Phe240Ser (NM_001079803.3, NM_001079804.3, NM_001406741.1 and 1 more transcripts); short protein forms F240S.
Identifiers: ClinVar variation 4876490 (VCV004876490.1).
Genomic context (GRCh38, chr17:80,107,583, plus strand): 5'-GTGTGAGCAAGCCTGGCTGGCCTCTGTCCCGCAGGCTGAACACGACGGTGGCGCCCCTGT[T>C]CTTTGCGGACCAGTTCCTTCAGCTGTCCACCTCGCTGCCCTCGCAGTATATCACAGGCCT-3'
Protein context (NP_000143.2, residues 230-250): VLLNTTVAPL[Phe240Ser]FADQFLQLST

ClinVar aggregate classification (germline): Uncertain significance (1 of 4 stars; one submission).

Conditions:
Glycogen storage disease, type II (IOPD). Also called: Pompe Disease; CARDIOMEGALIA GLYCOGENICA DIFFUSA; GLYCOGENOSIS, GENERALIZED, CARDIAC FORM; GSD II; POMPE DISEASE, INFANTILE-ONSET; GLYCOGEN STORAGE DISEASE II, INFANTILE-ONSET. Identifiers: Orphanet 365, MedGen C0017921, MONDO:0009290, OMIM 232300.

Submission:

Genomenon, Inc
Classification: Uncertain significance for Glycogen storage disease, type II. Last evaluated: 2026-07-01. Review status: criteria provided, single submitter. Criteria: Genomenon Sequence Variant Interpretation Standards - Updated. Collection method: curation. Allele origin: germline. Affected: yes.
Comment: GAA p.Phe240Ser (c.719T>C) is a missense variant that changes the amino acid at codon 240 from Phenylalanine to Serine. This variant has been observed in at least one proband with a GAA-related disorder in the compound heterozygous and/or homozygous state (PMID:35477515). It is absent or not present at a significant frequency in gnomAD. In conclusion, we classify GAA p.Phe240Ser (c.719T>C) as a variant of uncertain significance.

Literature cited by the submitters: PubMed 35477515.